The following is an entry in ClinVar:

NM_014140.4(SMARCAL1):c.596C>A (p.Pro199His)

Gene: SMARCAL1 (SNF2 related chromatin remodeling annealing helicase 1; plus strand). Cytogenetic location: 2q35.
Variant type: single nucleotide variant.
Coding change: c.596C>A on transcript NM_014140.4 (MANE Select); coding-DNA position 596, C replaced by A.
Protein change: p.Pro199His; replaces proline 199 with histidine.
Molecular consequence: missense variant.
Genome position (GRCh38, 1-based): chr2:216,415,300, C>A. VCF-style: chr2-216415300-C-A. GRCh37 (hg19) VCF-style: chr2-217280023-C-A.
Other names: c.596C>A, p.Pro199His (NM_001127207.2); short protein forms P199H.
Identifiers: ClinVar variation 2107247 (VCV002107247.4), dbSNP rs1693568131, ClinGen allele CA350497638.

ClinVar aggregate classification (germline): Uncertain significance (1 of 4 stars; one submission).

Conditions:
Schimke immuno-osseous dysplasia (SIOD). Also called: Schimke Immunoosseous Dysplasia. Identifiers: Orphanet 1830, MedGen C0877024, MONDO:0009458, OMIM 242900.

Allele frequency attached by ClinVar (database versions not stated): TOPMed below 0.00001.

Submission:

Labcorp Genetics (formerly Invitae), Labcorp
Classification: Uncertain significance for Schimke immuno-osseous dysplasia. Last evaluated: 2022-05-12. Review status: criteria provided, single submitter. Criteria: Invitae Variant Classification Sherloc (09022015). Collection method: clinical testing. Allele origin: germline.
Comment: In summary, the available evidence is currently insufficient to determine the role of this variant in disease. Therefore, it has been classified as a Variant of Uncertain Significance. Algorithms developed to predict the effect of missense changes on protein structure and function (SIFT, PolyPhen-2, Align-GVGD) all suggest that this variant is likely to be tolerated. This variant has not been reported in the literature in individuals affected with SMARCAL1-related conditions. This variant is not present in population databases (gnomAD no frequency). This sequence change replaces proline, which is neutral and non-polar, with histidine, which is basic and polar, at codon 199 of the SMARCAL1 protein (p.Pro199His).